The following is an entry in ClinVar:

NM_020806.5(GPHN):c.1028C>G (p.Thr343Ser)

Gene: GPHN (gephyrin; plus strand). Cytogenetic location: 14q23.3.
Variant type: single nucleotide variant.
Coding change: c.1028C>G on transcript NM_020806.5 (MANE Select); coding-DNA position 1028, C replaced by G.
Protein change: p.Thr343Ser; replaces threonine 343 with serine.
Molecular consequence: missense variant.
Genome position (GRCh38, 1-based): chr14:67,058,670, C>G. VCF-style: chr14-67058670-C-G. GRCh37 (hg19) VCF-style: chr14-67525387-C-G.
Other names: c.929C>G, p.Thr310Ser (NM_001024218.2); c.1088C>G, p.Thr363Ser (NM_001377514.1); c.1058C>G, p.Thr353Ser (NM_001377515.1); c.1049C>G, p.Thr350Ser (NM_001377516.1); c.1001C>G, p.Thr334Ser (NM_001377517.1); c.986C>G, p.Thr329Ser (NM_001377518.1); c.968C>G, p.Thr323Ser (NM_001377519.1); short protein forms T334S, T363S, T323S, T329S, T343S, T350S, T310S, T353S.
Identifiers: ClinVar variation 3007368 (VCV003007368.3), dbSNP rs2542612734, ClinGen allele CA390258109.

ClinVar aggregate classification (germline): Uncertain significance (1 of 4 stars; one submission).

Conditions:
Sulfite oxidase deficiency due to molybdenum cofactor deficiency type C. Also called: Molybdenum cofactor deficiency, complementation group C; Molybdenum cofactor deficiency C. Identifiers: Orphanet 308400, Orphanet 833, MedGen C1854990, MONDO:0014212, OMIM 615501.

Submission:

Labcorp Genetics (formerly Invitae), Labcorp
Classification: Uncertain significance for Sulfite oxidase deficiency due to molybdenum cofactor deficiency type C. Last evaluated: 2023-12-19. Review status: criteria provided, single submitter. Criteria: Invitae Variant Classification Sherloc (09022015). Collection method: clinical testing. Allele origin: germline.
Comment: This sequence change replaces threonine, which is neutral and polar, with serine, which is neutral and polar, at codon 343 of the GPHN protein (p.Thr343Ser). This variant is not present in population databases (gnomAD no frequency). This variant has not been reported in the literature in individuals affected with GPHN-related conditions. Advanced modeling of protein sequence and biophysical properties (such as structural, functional, and spatial information, amino acid conservation, physicochemical variation, residue mobility, and thermodynamic stability) performed at Invitae indicates that this missense variant is not expected to disrupt GPHN protein function with a negative predictive value of 80%. In summary, the available evidence is currently insufficient to determine the role of this variant in disease. Therefore, it has been classified as a Variant of Uncertain Significance.